The following is an entry in ClinVar:

NM_001242896.3(DEPDC5):c.3766T>C (p.Tyr1256His)

Gene: DEPDC5 (DEP domain containing 5, GATOR1 subcomplex subunit; plus strand). Cytogenetic location: 22q12.3.
Variant type: single nucleotide variant.
Coding change: c.3766T>C on transcript NM_001242896.3 (MANE Select); coding-DNA position 3766, T replaced by C.
Protein change: p.Tyr1256His; replaces tyrosine 1256 with histidine.
Molecular consequence: missense variant. On other transcripts: non-coding transcript variant (2).
Genome position (GRCh38, 1-based): chr22:31,876,226, T>C. VCF-style: chr22-31876226-T-C. GRCh37 (hg19) VCF-style: chr22-32272212-T-C.
Other names: c.3739T>C, p.Tyr1247His (NM_001136029.4); c.3466T>C, p.Tyr1156His (NM_001242897.2); c.3700T>C, p.Tyr1234His (NM_001363852.2, NM_001364320.2); c.3532T>C, p.Tyr1178His (NM_001363854.2, NM_001364319.2); c.3766T>C, p.Tyr1256His (NM_001364318.2); c.3682T>C, p.Tyr1228His (NM_001369901.1, NM_001369902.1); c.3673T>C, p.Tyr1225His (NM_001369903.1, NM_014662.6); short protein forms Y1156H, Y1178H, Y1225H, Y1228H, Y1234H, Y1247H, Y1256H.
Identifiers: ClinVar variation 3600728 (VCV003600728.1).
Genomic context (GRCh38, chr22:31,876,226, plus strand): 5'-GAAGAGCAGCTCATCACACATGCATCTGGCGAAGCCTGGCGGACCTTCATCTACGGCTTC[T>C]ATTTCTACAAGATAGTAACGGACAAAGAGCCCGACCGAGGTTAGAGCCGAGGCGAATGCG-3'
Protein context (NP_001229825.1, residues 1246-1266): EAWRTFIYGF[Tyr1256His]FYKIVTDKEP

ClinVar aggregate classification (germline): Uncertain significance (1 of 4 stars; one submission).

Submission:

GeneDx
Classification: Uncertain significance. Last evaluated: 2024-07-18. Review status: criteria provided, single submitter. Criteria: GeneDx Variant Classification Process June 2021. Collection method: clinical testing. Allele origin: germline. Affected: yes.
Comment: Not observed at significant frequency in large population cohorts (gnomAD); In silico analysis supports that this missense variant has a deleterious effect on protein structure/function; Has not been previously published as pathogenic or benign to our knowledge